The following is an entry in ClinVar:

NM_006734.4(HIVEP2):c.1169C>T (p.Pro390Leu)

Gene: HIVEP2 (HIVEP zinc finger 2; minus strand). Cytogenetic location: 6q24.2.
Variant type: single nucleotide variant.
Coding change: c.1169C>T on transcript NM_006734.4 (MANE Select); coding-DNA position 1169, C replaced by T.
Protein change: p.Pro390Leu; replaces proline 390 with leucine.
Molecular consequence: missense variant.
Genome position (GRCh38, 1-based): chr6:142,773,570, G>A on the plus strand (C>T on the coding strand, the complement: HIVEP2 is on the minus strand). VCF-style: chr6-142773570-G-A. GRCh37 (hg19) VCF-style: chr6-143094707-G-A.
Other names: short protein forms P390L.
Identifiers: ClinVar variation 1702724 (VCV001702724.2), dbSNP rs1486376896, ClinGen allele CA365914433.

ClinVar aggregate classification (germline): Uncertain significance (1 of 4 stars; one submission).

Allele frequency attached by ClinVar (database versions not stated): gnomAD exomes below 0.00001; gnomAD 0.00001.
gnomAD v4.1: 2 of 1,614,000 alleles (0.00012%); highest among the groups gnomAD compares: African/African-American, 0.0013%; no homozygotes.

Submission:

GeneDx
Classification: Uncertain significance. Last evaluated: 2022-02-04. Review status: criteria provided, single submitter. Criteria: GeneDx Variant Classification Process June 2021. Collection method: clinical testing. Allele origin: germline. Affected: yes.
Comment: In silico analysis supports that this missense variant has a deleterious effect on protein structure/function; Has not been previously published as pathogenic or benign to our knowledge